The following is an entry in ClinVar:

ClinVar aggregate classification (germline): Uncertain significance (1 of 4 stars; one submission).

gnomAD v4.1: 7 of 1,605,496 alleles (0.00044%); highest among the groups gnomAD compares: Non-Finnish European, 0.00059%; no homozygotes.

Submission:

Labcorp Genetics (formerly Invitae), Labcorp
Classification: Uncertain significance. Last evaluated: 2024-01-11. Review status: criteria provided, single submitter. Criteria: Invitae Variant Classification Sherloc (09022015). Collection method: clinical testing. Allele origin: germline.
Comment: This sequence change replaces arginine, which is basic and polar, with glycine, which is neutral and non-polar, at codon 103 of the TNFRSF6B protein (p.Arg103Gly). This variant is present in population databases (no rsID available, gnomAD 0.002%). This variant has not been reported in the literature in individuals affected with TNFRSF6B-related conditions. ClinVar contains an entry for this variant (Variation ID: 1954327). An algorithm developed to predict the effect of missense changes on protein structure and function (PolyPhen-2) suggests that this variant is likely to be disruptive. In summary, the available evidence is currently insufficient to determine the role of this variant in disease. Therefore, it has been classified as a Variant of Uncertain Significance.

NM_003823.4(TNFRSF6B):c.307C>G (p.Arg103Gly)

Genes: RTEL1-TNFRSF6B (RTEL1-TNFRSF6B readthrough (NMD candidate); plus strand), TNFRSF6B (TNF receptor superfamily member 6b; plus strand). Cytogenetic location: 20q13.33.
Variant type: single nucleotide variant.
Coding change: c.307C>G on transcript NM_003823.4 (MANE Select); coding-DNA position 307, C replaced by G.
Protein change: p.Arg103Gly; replaces arginine 103 with glycine.
Molecular consequence: missense variant. On other transcripts: non-coding transcript variant (1).
Genome position (GRCh38, 1-based): chr20:63,697,074, C>G. VCF-style: chr20-63697074-C-G. GRCh37 (hg19) VCF-style: chr20-62328427-C-G.
Other names: short protein forms R103G.
Identifiers: ClinVar variation 1954327 (VCV001954327.5), dbSNP rs372873262, ClinGen allele CA317534221.
Genomic context (GRCh38, chr20:63,697,074, plus strand): 5'-AACTACCTAGAGCGCTGCCGCTACTGCAACGTCCTCTGCGGGGAGCGTGAGGAGGAGGCA[C>G]GGGCTTGCCACGCCACCCACAACCGTGCCTGCCGCTGCCGCACCGGCTTCTTCGCGCACG-3'
Protein context (NP_003814.1, residues 93-113): VLCGEREEEA[Arg103Gly]ACHATHNRAC